The following is an entry in ClinVar:

NM_003193.5(TBCE):c.714dup (p.Asn239Ter)

Gene: TBCE (tubulin folding cofactor E; plus strand). Cytogenetic location: 1q42.3.
Variant type: Duplication.
Coding change: c.714dup on transcript NM_003193.5 (MANE Select); coding-DNA position 714, one base duplicated (T; older notation c.714dupT).
Protein change: p.Asn239Ter; replaces asparagine 239 with a stop codon.
Molecular consequence: nonsense.
Genome position (GRCh38, 1-based): chr1:235,434,257, T duplicated. VCF-style (leftmost placement, unchanged base first): chr1-235434256-C-CT. GRCh37 (hg19) VCF-style: chr1-235597571-C-CT.
Other names: c.714dup, p.Asn239Ter (NM_001079515.3); c.867dup, p.Asn290Ter (NM_001287801.2); c.375dup, p.Asn126Ter (NM_001287802.2); short protein forms N126*, N239*, N290*.
Identifiers: ClinVar variation 4852228 (VCV004852228.1).

ClinVar aggregate classification (germline): Pathogenic (1 of 4 stars; one submission).

Conditions:
autosomal recessive TBCE-related disorders.

Submission:

Variantyx, Inc.
Classification: Pathogenic for autosomal recessive TBCE-related disorders. Last evaluated: 2025-12-09. Review status: criteria provided, single submitter. Criteria: Variantyx Assertion Criteria 2022. Collection method: clinical testing. Allele origin: germline. Inheritance: Autosomal recessive inheritance. Affected: no.
Comment: This is a nonsense variant in the TBCE gene (OMIM: 604934). Pathogenic variants in this gene have been associated with autosomal recessive TBCE-related disorders. This variant introduces a premature termination codon in exon 9 out of 18 and Ii is expected to result in loss of function, which is a known disease mechanism for TBCE in these disorders (PMID:12389028) (PVS1). This variant has a 0.001978% maximum allele frequency in non-founder control populations (PM2_Supporting).This variant has not been reported in individuals with TBCE-related disorders in the databases available for review. Based on the current evidence, this variant is classified as likely pathogenic for autosomal recessive TBCE-related disorders.

Literature cited by the submitters: PubMed 12389028.